The following is an entry in ClinVar:

ClinVar aggregate classification (germline): Uncertain significance. Review status: criteria provided, multiple submitters, no conflicts (2 of 4 stars). 5 submissions from 5 submitters: Uncertain significance (5). Last evaluated 2024-10-21.

Conditions:
Hereditary cancer-predisposing syndrome. Also called: Neoplastic Syndromes, Hereditary; Hereditary neoplastic syndrome; Tumor predisposition; Hereditary Cancer Syndrome. Identifiers: Orphanet 140162, MedGen C0027672, MeSH D009386, MONDO:0015356.
Juvenile polyposis syndrome (JPS). Identifiers: Orphanet 2929, MedGen C0345893, MONDO:0017380, OMIM 174900.
Polyposis syndrome, hereditary mixed, 2. Identifiers: Orphanet 157794, MedGen C1864730, MONDO:0012405, OMIM 610069.

Allele frequency attached by ClinVar (database versions not stated): gnomAD exomes below 0.00001; TOPMed below 0.00001; gnomAD 0.00001.
gnomAD v4.1: 8 of 1,613,980 alleles (0.0005%); highest among the groups gnomAD compares: African/African-American, 0.0027%; no homozygotes.

Submissions (5):

Ambry Genetics
Classification: Uncertain significance for Hereditary cancer-predisposing syndrome. Last evaluated: 2024-10-21. Review status: criteria provided, single submitter. Criteria: Ambry Variant Classification Scheme 2023. Collection method: clinical testing. Allele origin: germline.
Comment: The p.P462L variant (also known as c.1385C>T), located in coding exon 10 of the BMPR1A gene, results from a C to T substitution at nucleotide position 1385. The proline at codon 462 is replaced by leucine, an amino acid with similar properties. This amino acid position is highly conserved in available vertebrate species. In addition, this alteration is predicted to be deleterious by in silico analysis. Since supporting evidence is limited at this time, the clinical significance of this alteration remains unclear.

Labcorp Genetics (formerly Invitae), Labcorp
Classification: Uncertain significance for Juvenile polyposis syndrome. Last evaluated: 2024-09-15. Review status: criteria provided, single submitter. Criteria: Invitae Variant Classification Sherloc (09022015). Collection method: clinical testing. Allele origin: germline.
Comment: This sequence change replaces proline, which is neutral and non-polar, with leucine, which is neutral and non-polar, at codon 462 of the BMPR1A protein (p.Pro462Leu). This variant is present in population databases (no rsID available, gnomAD 0.003%). This variant has not been reported in the literature in individuals affected with BMPR1A-related conditions. ClinVar contains an entry for this variant (Variation ID: 529915). Invitae Evidence Modeling of protein sequence and biophysical properties (such as structural, functional, and spatial information, amino acid conservation, physicochemical variation, residue mobility, and thermodynamic stability) has been performed for this missense variant. However, the output from this modeling did not meet the statistical confidence thresholds required to predict the impact of this variant on BMPR1A protein function. In summary, the available evidence is currently insufficient to determine the role of this variant in disease. Therefore, it has been classified as a Variant of Uncertain Significance.

Baylor Genetics
Classification: Uncertain significance for Polyposis syndrome, hereditary mixed, 2. Last evaluated: 2023-11-07. Review status: criteria provided, single submitter. Criteria: ACMG Guidelines, 2015. Collection method: clinical testing. Allele origin: unknown.

GeneDx
Classification: Uncertain significance. Last evaluated: 2022-05-27. Review status: criteria provided, single submitter. Criteria: GeneDx Variant Classification Process June 2021. Collection method: clinical testing. Allele origin: germline. Affected: yes.
Comment: Not observed at significant frequency in large population cohorts (gnomAD); In silico analysis supports that this missense variant has a deleterious effect on protein structure/function; Has not been previously published as pathogenic or benign to our knowledge

Color Diagnostics, LLC DBA Color Health
Classification: Uncertain significance for Hereditary cancer-predisposing syndrome. Last evaluated: 2021-11-16. Review status: criteria provided, single submitter. Criteria: ACMG Guidelines, 2015. Collection method: clinical testing. Allele origin: germline.
Comment: This missense variant replaces proline with leucine at codon 462 of the BMPR1A protein. Computational prediction suggests that this variant may have deleterious impact on protein structure and function (internally defined REVEL score threshold >= 0.7, PMID: 27666373). To our knowledge, functional studies have not been reported for this variant. This variant has not been reported in individuals affected with hereditary cancer in the literature. This variant has been identified in 1/251488 chromosomes in the general population by the Genome Aggregation Database (gnomAD). The available evidence is insufficient to determine the role of this variant in disease conclusively. Therefore, this variant is classified as a Variant of Uncertain Significance.

NM_004329.3(BMPR1A):c.1385C>T (p.Pro462Leu)

Gene: BMPR1A (bone morphogenetic protein receptor type 1A; plus strand). Cytogenetic location: 10q23.2.
Variant type: single nucleotide variant.
Coding change: c.1385C>T on transcript NM_004329.3 (MANE Select); coding-DNA position 1385, C replaced by T.
Protein change: p.Pro462Leu; replaces proline 462 with leucine.
Molecular consequence: missense variant.
Genome position (GRCh38, 1-based): chr10:86,923,418, C>T. VCF-style: chr10-86923418-C-T. GRCh37 (hg19) VCF-style: chr10-88683175-C-T.
Other names: short protein forms P462L.
Identifiers: ClinVar variation 529915 (VCV000529915.20), dbSNP rs1418504897, ClinGen allele CA377462821.